The following is an entry in ClinVar:

NM_006210.3(PEG3):c.1813G>A (p.Gly605Arg)

Genes: PEG3 (paternally expressed 3; minus strand), ZIM2 (zinc finger imprinted 2; minus strand). Cytogenetic location: 19q13.43.
Variant type: single nucleotide variant.
Coding change: c.1813G>A on transcript NM_006210.3 (MANE Select); coding-DNA position 1813, G replaced by A.
Protein change: p.Gly605Arg; replaces glycine 605 with arginine.
Molecular consequence: missense variant. On other transcripts: intron variant (11).
Genome position (GRCh38, 1-based): chr19:56,816,629, C>T on the plus strand (G>A on the coding strand, the complement: PEG3 is on the minus strand). VCF-style: chr19-56816629-C-T. GRCh37 (hg19) VCF-style: chr19-57327997-C-T.
Other names: c.1813G>A, p.Gly605Arg (NM_001146184.2); c.1435G>A, p.Gly479Arg (NM_001146185.2); c.1441G>A, p.Gly481Arg (NM_001146187.2, NM_001369720.1, NM_001369721.1 and 13 more transcripts); c.1819G>A, p.Gly607Arg (NM_001369717.1, NM_001369718.1); c.1726G>A, p.Gly576Arg (NM_001369719.1); c.1348G>A, p.Gly450Arg (NM_001369734.1, NM_001369735.1, NM_001369736.1 and 2 more transcripts); c.397+1971G>A (NM_015363.5, NM_001387358.1, NM_001146326.2 and 5 more transcripts); c.490+1117G>A (NM_001369774.1, NM_001369773.1, NM_001387356.1); short protein forms G450R, G479R, G481R, G576R, G605R, G607R.
Identifiers: ClinVar variation 2672792 (VCV002672792.23), dbSNP rs55885735, ClinGen allele CA9693561.
Genomic context (GRCh38, chr19:56,816,629, plus strand): 5'-TCTCTTTACCATACATTTTCTGAAACTCATTAAGGGCTGGGCTGGGCCTAAAGGTTTCCC[C>T]GCGCTCACGTTCACGTTCACGTTCATGTTCACGCTCATTATCTTTGTCATCCCCAAAGTG-3'
Protein context (NP_006201.1, residues 595-615): EHERERERER[Gly605Arg]ETFRPSPALN

ClinVar aggregate classification (germline): Benign (1 of 4 stars; one submission).

Allele frequency attached by ClinVar (database versions not stated): 1000 Genomes Project 0.00040; 1000 Genomes Project 30x 0.00047; gnomAD 0.00105; ESP Exome Variant Server 0.00108; TOPMed 0.00112.
gnomAD v4.1: 1,394 of 1,613,660 alleles (0.086%); highest among the groups gnomAD compares: Middle Eastern, 0.15%; 12 homozygotes.

Submission:

CeGaT Center for Human Genetics Tuebingen
Classification: Benign. Last evaluated: 2023-12-01. Review status: criteria provided, single submitter. Criteria: CeGaT Center For Human Genetics Tuebingen Variant Classification Criteria Version 2. Collection method: clinical testing. Allele origin: germline. Affected: yes. Observed: 1 variant allele.
Comment: PEG3: BP4, BS1, BS2